The following is an entry in ClinVar:

ClinVar aggregate classification (germline): Uncertain significance (1 of 4 stars; one submission).

Conditions:
Immunodeficiency 51 (IMD51). Also called: CANDIDIASIS, FAMILIAL, 5. Identifiers: Orphanet 1334, MedGen C4310803, MONDO:0013500, OMIM 613953.

Allele frequency attached by ClinVar (database versions not stated): gnomAD exomes below 0.00001; TOPMed below 0.00001; ExAC 0.00001.
gnomAD v4.1: 2 of 1,607,010 alleles (0.00012%); highest among the groups gnomAD compares: Admixed American, 0.0017%; no homozygotes.

Submission:

Labcorp Genetics (formerly Invitae), Labcorp
Classification: Uncertain significance for Immunodeficiency 51. Last evaluated: 2023-10-13. Review status: criteria provided, single submitter. Criteria: Invitae Variant Classification Sherloc (09022015). Collection method: clinical testing. Allele origin: germline.
Comment: This sequence change replaces arginine, which is basic and polar, with cysteine, which is neutral and slightly polar, at codon 449 of the IL17RA protein (p.Arg449Cys). The frequency data for this variant in the population databases is considered unreliable, as metrics indicate poor data quality at this position in the gnomAD database. This variant has not been reported in the literature in individuals affected with IL17RA-related conditions. Advanced modeling of protein sequence and biophysical properties (such as structural, functional, and spatial information, amino acid conservation, physicochemical variation, residue mobility, and thermodynamic stability) performed at Invitae indicates that this missense variant is expected to disrupt IL17RA protein function. In summary, the available evidence is currently insufficient to determine the role of this variant in disease. Therefore, it has been classified as a Variant of Uncertain Significance.

NM_014339.7(IL17RA):c.1345C>T (p.Arg449Cys)

Gene: IL17RA (interleukin 17 receptor A; plus strand). Cytogenetic location: 22q11.1.
Variant type: single nucleotide variant.
Coding change: c.1345C>T on transcript NM_014339.7 (MANE Select); coding-DNA position 1345, C replaced by T.
Protein change: p.Arg449Cys; replaces arginine 449 with cysteine.
Molecular consequence: missense variant.
Genome position (GRCh38, 1-based): chr22:17,108,564, C>T. VCF-style: chr22-17108564-C-T. GRCh37 (hg19) VCF-style: chr22-17589454-C-T.
Other names: c.1243C>T, p.Arg415Cys (NM_001289905.2); short protein forms R415C, R449C.
Identifiers: ClinVar variation 2807533 (VCV002807533.1), dbSNP rs771298130, ClinGen allele CA10086718.